The following is an entry in ClinVar:

ClinVar aggregate classification (germline): Uncertain significance (1 of 4 stars; one submission).

Conditions:
Cardiovascular phenotype. Identifiers: MedGen CN230736.

Submission:

Ambry Genetics
Classification: Uncertain significance for Cardiovascular phenotype. Last evaluated: 2025-04-05. Review status: criteria provided, single submitter. Criteria: Ambry Variant Classification Scheme 2023. Collection method: clinical testing. Allele origin: germline.
Comment: The p.G395E variant (also known as c.1184G>A), located in coding exon 6 of the EPHB4 gene, results from a G to A substitution at nucleotide position 1184. The glycine at codon 395 is replaced by glutamic acid, an amino acid with similar properties. This amino acid position is conserved. In addition, this alteration is predicted to be tolerated by in silico analysis. Based on the available evidence, the clinical significance of this variant remains unclear.

NM_004444.5(EPHB4):c.1184G>A (p.Gly395Glu)

Gene: EPHB4 (EPH receptor B4; minus strand). Cytogenetic location: 7q22.1.
Variant type: single nucleotide variant.
Coding change: c.1184G>A on transcript NM_004444.5 (MANE Select); coding-DNA position 1184, G replaced by A.
Protein change: p.Gly395Glu; replaces glycine 395 with glutamic acid.
Molecular consequence: missense variant.
Genome position (GRCh38, 1-based): chr7:100,819,670, C>T on the plus strand (G>A on the coding strand, the complement: EPHB4 is on the minus strand). VCF-style: chr7-100819670-C-T. GRCh37 (hg19) VCF-style: chr7-100417292-C-T.
Other names: short protein forms G395E.
Identifiers: ClinVar variation 4018803 (VCV004018803.1).